The following is an entry in ClinVar:

ClinVar aggregate classification (germline): Uncertain significance (1 of 4 stars; one submission).

Conditions:
Renal cysts and diabetes syndrome (RCAD). Also called: Familial hypoplastic, glomerulocystic kidney; MATURITY-ONSET DIABETES OF THE YOUNG, TYPE 5. Identifiers: Orphanet 93111, MedGen C0431693, MONDO:0007669, OMIM 137920.

Allele frequency attached by ClinVar (database versions not stated): gnomAD exomes below 0.00001; gnomAD 0.00001.
gnomAD v4.1: 3 of 1,613,992 alleles (0.00019%); highest among the groups gnomAD compares: Middle Eastern, 0.017%; no homozygotes.

Submission:

MGZ Medical Genetics Center
Classification: Uncertain significance for Renal cysts and diabetes syndrome. Last evaluated: 2022-08-08. Review status: criteria provided, single submitter. Criteria: ACMG Guidelines, 2015. Collection method: clinical testing. Allele origin: germline. Affected: yes. Observed: 1 variant allele.
Comment: ACMG criteria applied: PM2_SUP, PP3

NM_000458.4(HNF1B):c.1151T>G (p.Val384Gly)

Gene: HNF1B (HNF1 homeobox B; minus strand). Cytogenetic location: 17q12.
Variant type: single nucleotide variant.
Coding change: c.1151T>G on transcript NM_000458.4 (MANE Select); coding-DNA position 1151, T replaced by G.
Protein change: p.Val384Gly; replaces valine 384 with glycine.
Molecular consequence: missense variant.
Genome position (GRCh38, 1-based): chr17:37,710,558, A>C on the plus strand (T>G on the coding strand, the complement: HNF1B is on the minus strand). VCF-style: chr17-37710558-A-C. GRCh37 (hg19) VCF-style: chr17-36070566-A-C.
Other names: c.1073T>G, p.Val358Gly (NM_001165923.4, NM_001304286.2); c.1151T>G, p.Val384Gly (NM_001411100.1); short protein forms V358G, V384G.
Identifiers: ClinVar variation 1709714 (VCV001709714.2), dbSNP rs1598814989, ClinGen allele CA398759251.